The following is an entry in ClinVar:

ClinVar aggregate classification (germline): Pathogenic (1 of 4 stars; one submission).

Conditions:
Giant axonal neuropathy 1 (GAN1). Also called: GIANT AXONAL NEUROPATHY 1, AUTOSOMAL RECESSIVE; GAN-Related Neurodegeneration. Identifiers: Orphanet 643, MedGen C1850386, MONDO:0009749, OMIM 256850.

Submission:

Cellular and Molecular Research Center, Cellular and Molecular Medicine Research Institute,, Urmia University of Medical Sciences
Classification: Pathogenic for Giant axonal neuropathy 1. Last evaluated: 2026-10-18. Review status: criteria provided, single submitter. Criteria: ACMG Guidelines, 2015. Collection method: clinical testing. Allele origin: germline. Inheritance: Autosomal recessive inheritance. Affected: yes. Observed: 1 variant allele, 1 homozygote.
Comment: The GAN gene encodes gigaxonin, a protein involved in the ubiquitin–proteasome system. Gigaxonin helps regulate the degradation of intermediate filament proteins and maintain the normal organization of the neuronal cytoskeleton. The variant c.13_41del is a deletion of 29 consecutive nucleotides from the coding sequence, extending from nucleotide position 13 to position 41. It is therefore a 29-base-pair deletion, not a single-nucleotide substitution or an insertion. Because 29 is not divisible by three, this deletion is predicted to cause a frameshift, altering the downstream amino-acid sequence and likely introducing a premature termination codon. This may result in a truncated gigaxonin protein or degradation of the abnormal mRNA through nonsense-mediated decay. Loss of gigaxonin function disrupts the normal turnover of intermediate filament proteins, causing their accumulation in neurons and other cells. This contributes to axonal swelling, cytoskeletal disorganization and progressive neurodegeneration, affecting both the peripheral and central nervous systems. Clinical manifestations include progressive weakness, sensory loss, ataxia and, in more severe cases, cognitive impairment and seizures. The researchers used whole-exome sequencing, confirmed variants by Sanger sequencing and assessed segregation with phenotypes in the patient. This variant is considered pathogenic.

Literature cited by the submitters: PubMed 30532362.

NM_022041.4(GAN):c.13_41del (p.Ser5fs)

Genes: GAN (gigaxonin; plus strand), LOC130059498 (ATAC-STARR-seq lymphoblastoid silent region 7753; plus strand). Cytogenetic location: 16q23.2.
Variant type: Deletion.
Coding change: c.13_41del on transcript NM_022041.4 (MANE Select); coding-DNA positions 13 to 41, 29 bases deleted (AGTGCCGTGTCTGACCCTCAGCACGCCGC).
Protein change: p.Ser5fs; shifts the reading frame from serine 5.
Molecular consequence: frameshift variant. On other transcripts: 5 prime UTR variant (1).
Genome position (GRCh38, 1-based): chr16:81,315,126-81,315,154, AGTGCCGTGTCTGACCCTCAGCACGCCGC deleted; deleting any 29 consecutive bases within chr16:81,315,124-81,315,154 gives the same sequence; the c. name uses the placement nearest the transcript's 3' end. VCF-style (leftmost placement, unchanged base first): chr16-81315123-GGCAGTGCCGTGTCTGACCCTCAGCACGCC-G. GRCh37 (hg19) VCF-style: chr16-81348728-GGCAGTGCCGTGTCTGACCCTCAGCACGCC-G.
Other names: c.-512_-484del (NM_001377486.1); short protein forms S5fs.
Identifiers: ClinVar variation 5043357 (VCV005043357.1).
Genomic context (GRCh38, chr16:81,315,123, plus strand): 5'-GGCCGGACGGTGTCGGGAGCCGGACCCGTCGGCAGAGGAGCGGGCGCCGCGATGGCTGAG[GGCAGTGCCGTGTCTGACCCTCAGCACGCC>G]GCGCGTCTGCTGCGAGCGCTCAGCTCTTTCCGCGAGGAGTCTCGCTTCTGCGACGCGCAC-3'